The following is an entry in ClinVar:

NM_001875.5(CPS1):c.1489A>T (p.Lys497Ter)

Gene: CPS1 (carbamoyl-phosphate synthase 1; plus strand). Cytogenetic location: 2q34.
Variant type: single nucleotide variant.
Coding change: c.1489A>T on transcript NM_001875.5 (MANE Select); coding-DNA position 1489, A replaced by T.
Protein change: p.Lys497Ter; replaces lysine 497 with a stop codon.
Molecular consequence: nonsense. On other transcripts: non-coding transcript variant (2).
Genome position (GRCh38, 1-based): chr2:210,599,501, A>T. VCF-style: chr2-210599501-A-T. GRCh37 (hg19) VCF-style: chr2-211464225-A-T.
Other names: c.1489A>T, p.Lys497Ter (NM_001122633.3, NM_001369257.1); c.1522A>T, p.Lys508Ter (NM_001369256.1); short protein forms K497*, K508*.
Identifiers: ClinVar variation 984183 (VCV000984183.3), dbSNP rs1698631663, ClinGen allele CA350435949.

ClinVar aggregate classification (germline): Likely pathogenic (1 of 4 stars; one submission).

Conditions:
Congenital hyperammonemia, type I. Also called: Carbamoyl phosphate synthetase I deficiency disease; Carbamoyl phosphate synthetase 1 deficiency; Hyperammonemia due to carbamoyl phosphate synthetase 1 deficiency; CPS 1 deficiency; Carbamyl phosphate synthetase (CPS) deficiency; Carbamoyl-phosphate synthase I deficiency. Identifiers: Orphanet 147, MedGen C4082171, MONDO:0009376, OMIM 237300.

Submission:

Myriad Genetics, Inc.
Classification: Likely pathogenic for Congenital hyperammonemia, type I. Last evaluated: 2019-03-04. Review status: criteria provided, single submitter. Criteria: Myriad Women's Health Autosomal Recessive and X-Linked Classification Criteria (2019). Collection method: clinical testing. Allele origin: unknown.
Comment: NM_001875.4(CPS1):c.1489A>T(K497*) is expected to be pathogenic in the context of carbamoylphosphate synthetase I deficiency. This variant is predicted to lead to an abnormal or absent protein product due to the creation of a premature termination codon in CPS1, a gene where loss-of-function variants are known to be pathogenic. Please note: this variant was assessed in the context of healthy population screening.